The following is an entry in ClinVar:

ClinVar aggregate classification (germline): Uncertain significance. Review status: criteria provided, single submitter (1 of 4 stars). 2 submissions from 2 submitters: Uncertain significance (1). 1 of the submissions does not count toward it. Last evaluated 2021-12-29.

Conditions:
NPHP3-related disorder. Also called: NPHP3-related disorders; NPHP3-related condition. Identifiers: MedGen CN379163.
Nephronophthisis. Also called: Juvenile Nephronophthisis. Identifiers: Orphanet 655, MedGen C0687120, MONDO:0019005, HP:0000090.

Allele frequency attached by ClinVar (database versions not stated): gnomAD exomes below 0.00001; gnomAD 0.00001; TOPMed 0.00002.

Submissions (2):

Labcorp Genetics (formerly Invitae), Labcorp
Classification: Uncertain significance for Nephronophthisis. Last evaluated: 2021-12-29. Review status: criteria provided, single submitter. Criteria: Invitae Variant Classification Sherloc (09022015). Collection method: clinical testing. Allele origin: germline.
Comment: This sequence change replaces glutamic acid, which is acidic and polar, with lysine, which is basic and polar, at codon 934 of the NPHP3 protein (p.Glu934Lys). This variant is present in population databases (no rsID available, gnomAD 0.009%). This variant has not been reported in the literature in individuals affected with NPHP3-related conditions. Algorithms developed to predict the effect of missense changes on protein structure and function are either unavailable or do not agree on the potential impact of this missense change (SIFT: "Deleterious"; PolyPhen-2: "Benign"; Align-GVGD: "Class C55"). In summary, the available evidence is currently insufficient to determine the role of this variant in disease. Therefore, it has been classified as a Variant of Uncertain Significance.

PreventionGenetics, part of Exact Sciences
Classification: Uncertain significance for NPHP3-related condition. Last evaluated: 2024-05-29. Review status: no assertion criteria provided. Collection method: clinical testing. Allele origin: germline. Not counted in ClinVar's aggregate classification.
Comment: The NPHP3 c.2800G>A variant is predicted to result in the amino acid substitution p.Glu934Lys. To our knowledge, this variant has not been reported in the literature and has conflicting predictions of pathogenicity by in-silico tools. This variant is reported in 0.0087% of alleles in individuals of Latino/Admixed American descent in gnomAD v2.1.1. At this time, the clinical significance of this variant is uncertain due to the absence of conclusive functional and genetic evidence.

NM_153240.5(NPHP3):c.2800G>A (p.Glu934Lys)

Genes: NPHP3 (nephrocystin 3; minus strand), NPHP3-ACAD11 (NPHP3-ACAD11 readthrough (NMD candidate); minus strand). Cytogenetic location: 3q22.1.
Variant type: single nucleotide variant.
Coding change: c.2800G>A on transcript NM_153240.5 (MANE Select); coding-DNA position 2800, G replaced by A.
Protein change: p.Glu934Lys; replaces glutamic acid 934 with lysine.
Molecular consequence: missense variant. On other transcripts: non-coding transcript variant (1).
Genome position (GRCh38, 1-based): chr3:132,689,157, C>T on the plus strand (G>A on the coding strand, the complement: NPHP3 is on the minus strand). VCF-style: chr3-132689157-C-T. GRCh37 (hg19) VCF-style: chr3-132408001-C-T.
Other names: c.2800G>A (NM_153240.4); short protein forms E934K.
Identifiers: ClinVar variation 2167796 (VCV002167796.2), dbSNP rs1448348187, ClinGen allele CA354580442.